The following is an entry in ClinVar:

NM_000077.5(CDKN2A):c.140G>A (p.Arg47Lys)

Gene: CDKN2A (cyclin dependent kinase inhibitor 2A; minus strand). Cytogenetic location: 9p21.3.
Variant type: single nucleotide variant.
Coding change: c.140G>A on transcript NM_000077.5; coding-DNA position 140, G replaced by A.
Protein change: p.Arg47Lys; replaces arginine 47 with lysine.
Molecular consequence: missense variant (on NM_000077.6). On other transcripts: intron variant (2).
Genome position (GRCh38, 1-based): chr9:21,974,688, C>T on the plus strand (G>A on the coding strand, the complement: CDKN2A is on the minus strand). VCF-style: chr9-21974688-C-T. GRCh37 (hg19) VCF-style: chr9-21974687-C-T.
Other names: c.140G>A, p.Arg47Lys (NM_000077.6, NM_001195132.2, NM_058197.5); c.-3-3480G>A (NM_001363763.2); c.194-3480G>A (NM_058195.4); short protein forms R47K.
Identifiers: ClinVar variation 2976242 (VCV002976242.3), dbSNP rs2131112029, ClinGen allele CA373086491.

ClinVar aggregate classification (germline): Uncertain significance (1 of 4 stars; one submission).

Conditions:
Familial melanoma. Also called: Hereditary melanoma; Hereditary cutaneous melanoma. Identifiers: Orphanet 618, MedGen C1512419, MONDO:0018961.

Submission:

Labcorp Genetics (formerly Invitae), Labcorp
Classification: Uncertain significance for Familial melanoma. Last evaluated: 2023-12-27. Review status: criteria provided, single submitter. Criteria: Invitae Variant Classification Sherloc (09022015). Collection method: clinical testing. Allele origin: germline.
Comment: This sequence change replaces arginine, which is basic and polar, with lysine, which is basic and polar, at codon 47 of the CDKN2A (p16INK4a) protein (p.Arg47Lys). This variant is not present in population databases (gnomAD no frequency). This variant has not been reported in the literature in individuals affected with CDKN2A (p16INK4a)-related conditions. An algorithm developed to predict the effect of missense changes on protein structure and function (PolyPhen-2) suggests that this variant is likely to be tolerated. In summary, the available evidence is currently insufficient to determine the role of this variant in disease. Therefore, it has been classified as a Variant of Uncertain Significance.